The following is an entry in ClinVar:

NC_000015.9:g.(?_28090085)_(28263743_?)del

Gene: OCA2 (OCA2 melanosomal transmembrane protein; minus strand). Cytogenetic location: 15q12-13.1.
Variant type: Deletion.
Identifiers: ClinVar variation 3243853 (VCV003243853.1).

ClinVar aggregate classification (germline): Pathogenic (1 of 4 stars; one submission).

Submission:

Labcorp Genetics (formerly Invitae), Labcorp
Classification: Pathogenic. Last evaluated: 2024-01-04. Review status: criteria provided, single submitter. Criteria: Invitae Variant Classification Sherloc (09022015). Collection method: clinical testing. Allele origin: unknown.
Comment: This variant is a gross deletion of the genomic region encompassing exon(s) 7-23 of the OCA2 gene. While this deletion is not anticipated to lead to nonsense mediated decay, it is expected to disrupt the C-terminus of the protein. This variant has not been reported in the literature in individuals affected with OCA2-related conditions. This variant disrupts a region of the OCA2 protein in which other variant(s) (p.Tyr827*) have been determined to be pathogenic (PMID: 29345414; Invitae). This suggests that this is a clinically significant region of the protein, and that variants that disrupt it are likely to be disease-causing. For these reasons, this variant has been classified as Pathogenic.

Literature cited by the submitters: PubMed 29345414.